The following is an entry in ClinVar:

ClinVar aggregate classification (germline): Uncertain significance (1 of 4 stars; one submission).

Submission:

Labcorp Genetics (formerly Invitae), Labcorp
Classification: Uncertain significance. Last evaluated: 2023-10-10. Review status: criteria provided, single submitter. Criteria: Invitae Variant Classification Sherloc (09022015). Collection method: clinical testing. Allele origin: germline.
Comment: This sequence change replaces glutamic acid, which is acidic and polar, with glycine, which is neutral and non-polar, at codon 903 of the POLE protein (p.Glu903Gly). This variant is not present in population databases (gnomAD no frequency). This variant has not been reported in the literature in individuals affected with POLE-related conditions. An algorithm developed to predict the effect of missense changes on protein structure and function (PolyPhen-2) suggests that this variant is likely to be disruptive. RNA analysis performed to evaluate the impact of this missense change on mRNA splicing indicates it does not significantly alter splicing (Invitae). In summary, the available evidence is currently insufficient to determine the role of this variant in disease. Therefore, it has been classified as a Variant of Uncertain Significance.

NM_006231.4(POLE):c.2708A>G (p.Glu903Gly)

Gene: POLE (DNA polymerase epsilon, catalytic subunit; minus strand). Cytogenetic location: 12q24.33.
Variant type: single nucleotide variant.
Coding change: c.2708A>G on transcript NM_006231.4 (MANE Select); coding-DNA position 2708, A replaced by G.
Protein change: p.Glu903Gly; replaces glutamic acid 903 with glycine.
Molecular consequence: missense variant.
Genome position (GRCh38, 1-based): chr12:132,661,683, T>C on the plus strand (A>G on the coding strand, the complement: POLE is on the minus strand). VCF-style: chr12-132661683-T-C. GRCh37 (hg19) VCF-style: chr12-133238269-T-C.
Other names: short protein forms E903G.
Identifiers: ClinVar variation 2813016 (VCV002813016.3), dbSNP rs2042685645, ClinGen allele CA387394073.